The following is an entry in ClinVar:

NM_001365951.3(KIF1B):c.2593A>C (p.Ser865Arg)

Gene: KIF1B (kinesin family member 1B; plus strand). Cytogenetic location: 1p36.22.
Variant type: single nucleotide variant.
Coding change: c.2593A>C on transcript NM_001365951.3 (MANE Select); coding-DNA position 2593, A replaced by C.
Protein change: p.Ser865Arg; replaces serine 865 with arginine.
Molecular consequence: missense variant.
Genome position (GRCh38, 1-based): chr1:10,324,813, A>C. VCF-style: chr1-10324813-A-C. GRCh37 (hg19) VCF-style: chr1-10384871-A-C.
Other names: c.2593A>C, p.Ser865Arg (NM_001365952.1); c.2455A>C, p.Ser819Arg (NM_015074.3); short protein forms S819R, S865R.
Identifiers: ClinVar variation 215880 (VCV000215880.43), dbSNP rs140015591, ClinGen allele CA338705.

ClinVar aggregate classification (germline): Likely benign. Review status: criteria provided, multiple submitters, no conflicts (2 of 4 stars). 7 submissions from 7 submitters: Likely benign (6). 1 of the submissions does not count toward it. Last evaluated 2025-12-22.

Conditions:
KIF1B-related disorder. Also called: KIF1B-related condition.
Charcot-Marie-Tooth disease type 2. Also called: Charcot-Marie-Tooth type 2. Identifiers: Orphanet 64746, MedGen C0270914, MONDO:0018993.
Neuroblastoma (NB). Identifiers: Orphanet 635, MedGen C0027819, MeSH D009447, MONDO:0005072, HP:0003006.

Allele frequency attached by ClinVar (database versions not stated): TOPMed 0.00009; gnomAD 0.00011 and 0.00018; 1000 Genomes Project 30x 0.00016; 1000 Genomes Project 0.00020; ESP Exome Variant Server 0.00023; gnomAD exomes 0.00037; ExAC 0.00046.
gnomAD v4.1: 348 of 1,614,068 alleles (0.022%); highest among the groups gnomAD compares: South Asian, 0.2%; 7 homozygotes.

Submissions (7):

Labcorp Genetics (formerly Invitae), Labcorp
Classification: Likely benign for Charcot-Marie-Tooth disease type 2. Last evaluated: 2025-12-22. Review status: criteria provided, single submitter. Criteria: Invitae Variant Classification Sherloc (09022015). Collection method: clinical testing. Allele origin: germline.

Women's Health and Genetics/Laboratory Corporation of America, LabCorp
Classification: Likely benign. Last evaluated: 2025-09-04. Review status: criteria provided, single submitter. Criteria: LabCorp Variant Classification Summary - May 2015. Collection method: clinical testing. Allele origin: germline.
Comment: Variant summary: KIF1B c.2455A>C (p.Ser819Arg) results in a non-conservative amino acid change in the encoded protein sequence. Algorithms developed to predict the effect of missense changes on protein structure and function are either unavailable or do not agree on the potential impact of this missense change. The variant allele was found at a frequency of 0.00037 in 251470 control chromosomes, predominantly at a frequency of 0.0017 within the South Asian subpopulation in the gnomAD database, including 2 homozygotes. The observed variant frequency within South Asian control individuals in the gnomAD database exceeds the estimated maximal expected allele frequency for disease-causing variants in KIF1B. c.2455A>C has been observed in an individual affected with Charcot-Marie-Tooth disease type; however, authors reported a causal variant in a different gene (Kanwal_2021). These report(s) do not provide unequivocal conclusions about association of the variant with Charcot-Marie-Tooth disease type 2A1. To our knowledge, no experimental evidence demonstrating an impact on protein function has been reported. The following publication has been ascertained in the context of this evaluation (PMID: 34193129). ClinVar contains an entry for this variant (Variation ID: 215880). Based on the evidence outlined above, the variant was classified as likely benign.

CeGaT Center for Human Genetics Tuebingen
Classification: Likely benign. Last evaluated: 2025-04-01. Review status: criteria provided, single submitter. Criteria: CeGaT Center For Human Genetics Tuebingen Variant Classification Criteria Version 2. Collection method: clinical testing. Allele origin: germline. Affected: yes. Observed: 2 variant alleles.
Comment: KIF1B: BP4, BS1

Blueprint Genetics
Classification: Likely benign. Last evaluated: 2024-11-21. Review status: criteria provided, single submitter. Criteria: ACMG Guidelines, 2015. Collection method: clinical testing. Allele origin: germline.

Ambry Genetics
Classification: Likely benign. Last evaluated: 2020-08-20. Review status: criteria provided, single submitter. Criteria: Ambry Variant Classification Scheme 2023. Collection method: clinical testing. Allele origin: germline.

Illumina Laboratory Services, Illumina
Classification: Likely benign for Neuroblastoma. Last evaluated: 2018-01-12. Review status: criteria provided, single submitter. Criteria: ICSL Variant Classification Criteria 13 December 2019. Collection method: clinical testing. Allele origin: germline.
Comment: This variant was observed in the ICSL laboratory as part of a predisposition screen in an ostensibly healthy population. It had not been previously curated by ICSL or reported in the Human Gene Mutation Database (HGMD: prior to June 1st, 2018), and was therefore a candidate for classification through an automated scoring system. Utilizing variant allele frequency, disease prevalence and penetrance estimates, and inheritance mode, an automated score was calculated to assess if this variant is too frequent to cause the disease. Based on the score and internal cut-off values, a variant classified as likely benign is not then subjected to further curation. The score for this variant resulted in a classification of likely benign for this disease.

PreventionGenetics, part of Exact Sciences
Classification: Likely benign for KIF1B-related condition. Last evaluated: 2020-08-28. Review status: no assertion criteria provided. Collection method: clinical testing. Allele origin: germline. Not counted in ClinVar's aggregate classification.
Comment: This variant is classified as likely benign based on ACMG/AMP sequence variant interpretation guidelines (Richards et al. 2015 PMID: 25741868, with internal and published modifications).

Literature cited by the submitters: PubMed 34193129 (cited by Women's Health and Genetics/Laboratory Corporation of America, LabCorp).